The following is an entry in ClinVar:

ClinVar aggregate classification (germline): Uncertain significance. Review status: criteria provided, multiple submitters, no conflicts (2 of 4 stars). 2 submissions from 2 submitters: Uncertain significance (2). Last evaluated 2025-12-01.

Conditions:
ARHGAP24-related disorder. Also called: ARHGAP24-related condition.

gnomAD v4.1: 57 of 1,613,996 alleles (0.0035%); highest among the groups gnomAD compares: Middle Eastern, 0.049%; no homozygotes.

Submissions (2):

PreventionGenetics, part of Exact Sciences
Classification: Uncertain significance for ARHGAP24-related condition. Last evaluated: 2025-12-01. Review status: criteria provided, single submitter. Criteria: ACMG Guidelines, 2015. Collection method: clinical testing. Allele origin: germline.
Comment: The ARHGAP24 c.1448G>A variant is predicted to result in the amino acid substitution p.Arg483His. This variant was reported in an individual in a genetic study of patients with adult hemodialysis, but this patient also has a missense variant of uncertain significance in the WT1 gene (Table 4, Fujimaru et al. 2024. PubMed ID: 38765603). This variant is reported in 0.0093% of alleles in individuals of European (Non-Finnish) descent in gnomAD. At this time, the clinical significance of this variant is uncertain due to the absence of conclusive functional and genetic evidence.

Labcorp Genetics (formerly Invitae), Labcorp
Classification: Uncertain significance. Last evaluated: 2024-09-08. Review status: criteria provided, single submitter. Criteria: Invitae Variant Classification Sherloc (09022015). Collection method: clinical testing. Allele origin: germline.
Comment: This sequence change replaces arginine, which is basic and polar, with histidine, which is basic and polar, at codon 483 of the ARHGAP24 protein (p.Arg483His). This variant is present in population databases (rs116009088, gnomAD 0.009%). This variant has not been reported in the literature in individuals affected with ARHGAP24-related conditions. An algorithm developed to predict the effect of missense changes on protein structure and function (PolyPhen-2) suggests that this variant is likely to be disruptive. In summary, the available evidence is currently insufficient to determine the role of this variant in disease. Therefore, it has been classified as a Variant of Uncertain Significance.

NM_001025616.3(ARHGAP24):c.1448G>A (p.Arg483His)

Gene: ARHGAP24 (Rho GTPase activating protein 24; plus strand). Cytogenetic location: 4q21.23.
Variant type: single nucleotide variant.
Coding change: c.1448G>A on transcript NM_001025616.3 (MANE Select); coding-DNA position 1448, G replaced by A.
Protein change: p.Arg483His; replaces arginine 483 with histidine.
Molecular consequence: missense variant.
Genome position (GRCh38, 1-based): chr4:85,995,102, G>A. VCF-style: chr4-85995102-G-A. GRCh37 (hg19) VCF-style: chr4-86916255-G-A.
Other names: c.1163G>A, p.Arg388His (NM_001042669.2); c.1193G>A, p.Arg398His (NM_001287805.2); c.869G>A, p.Arg290His (NM_001346093.2); c.1169G>A, p.Arg390His (NM_031305.3); c.1448G>A (NM_001025616.2); short protein forms R290H, R390H, R483H, R388H, R398H.
Identifiers: ClinVar variation 3665944 (VCV003665944.3).